The following is an entry in ClinVar:

NM_001111125.3(IQSEC2):c.3163C>T (p.Arg1055Ter)

Gene: IQSEC2 (IQ motif and Sec7 domain ArfGEF 2; minus strand). Cytogenetic location: Xp11.22.
Variant type: single nucleotide variant.
Coding change: c.3163C>T on transcript NM_001111125.3 (MANE Select); coding-DNA position 3163, C replaced by T.
Protein change: p.Arg1055Ter; replaces arginine 1055 with a stop codon.
Molecular consequence: nonsense.
Genome position (GRCh38, 1-based): chrX:53,238,259, G>A on the plus strand (C>T on the coding strand, the complement: IQSEC2 is on the minus strand). VCF-style: chrX-53238259-G-A. GRCh37 (hg19) VCF-style: chrX-53267441-G-A.
Other names: c.2548C>T, p.Arg850Ter (NM_015075.2); c.3163C>T (NM_001111125.1); short protein forms R1055*, R850*.
Identifiers: ClinVar variation 1338309 (VCV001338309.12), dbSNP rs2147027403, ClinGen allele CA413146938.

ClinVar aggregate classification (germline): Pathogenic. Review status: criteria provided, multiple submitters, no conflicts (2 of 4 stars). 5 submissions from 5 submitters: Pathogenic (4). 1 of the submissions does not count toward it. Last evaluated 2025-03-13.

Conditions:
Intellectual developmental disorder, X-linked 1. Also called: Atkin Flaitz Patil Smith syndrome; Intellectual disability, X-linked 1; MENTAL RETARDATION, X-LINKED 18; MENTAL RETARDATION, X-LINKED 78. Identifiers: Orphanet 777, MedGen C2931498, MONDO:0010656, OMIM 309530.
NEURODEVELOPMENTAL DISORDER, X-LINKED, WITH POOR OR ABSENT SPEECH AND BEHAVIORAL ABNORMALITIES (NEDXSB). Identifiers: MedGen CN381607, OMIM 301164.
Impaired intellectual development with spastic paraplegia and palmoplantar hyperkeratosis. Also called: MENTAL RETARDATION WITH SPASTIC PARAPLEGIA AND PALMOPLANTAR HYPERKERATOSIS; Paraplegia-intellectual disability-hyperkeratosis syndrome. Identifiers: Orphanet 2824, MedGen C2745996, MONDO:0010662, OMIM 309560.

Submissions (5):

GeneDx
Classification: Pathogenic. Last evaluated: 2025-03-13. Review status: criteria provided, single submitter. Criteria: GeneDx Variant Classification Process June 2021. Collection method: clinical testing. Allele origin: germline. Affected: yes.
Comment: Nonsense variant predicted to result in protein truncation or nonsense mediated decay in a gene for which loss of function is a known mechanism of disease; Not observed in large population cohorts (gnomAD); This variant is associated with the following publications: (PMID: 32761587, 27665735, 30206421, 38764027, 30328660, 28295038, 37853563, 36444437, 25649377, 29100083)

Duke University Health System Sequencing Clinic, Duke University Health System
Classification: Pathogenic for Impaired intellectual development with spastic paraplegia and palmoplantar hyperkeratosis. Last evaluated: 2023-04-20. Review status: criteria provided, single submitter. Criteria: ACMG Guidelines, 2015. Collection method: research. Allele origin: de novo. Affected: yes.

Labcorp Genetics (formerly Invitae), Labcorp
Classification: Pathogenic for Intellectual developmental disorder, X-linked 1. Last evaluated: 2022-08-21. Review status: criteria provided, single submitter. Criteria: Invitae Variant Classification Sherloc (09022015). Collection method: clinical testing. Allele origin: germline.
Comment: ClinVar contains an entry for this variant (Variation ID: 1338309). For these reasons, this variant has been classified as Pathogenic. This premature translational stop signal has been observed in individual(s) with X-linked intellectual disability (PMID: 25649377, 29100083, 30206421). This variant is not present in population databases (gnomAD no frequency). This sequence change creates a premature translational stop signal (p.Arg1055*) in the IQSEC2 gene. It is expected to result in an absent or disrupted protein product. Loss-of-function variants in IQSEC2 are known to be pathogenic (PMID: 21686261, 26793055, 27665735).

Genetic Services Laboratory, University of Chicago
Classification: Pathogenic. Last evaluated: 2017-09-29. Review status: criteria provided, single submitter. Criteria: ACMG Guidelines, 2015. Collection method: clinical testing. Allele origin: germline. Affected: yes.

OMIM
Classification: Pathogenic for NEURODEVELOPMENTAL DISORDER, X-LINKED, WITH POOR OR ABSENT SPEECH AND BEHAVIORAL ABNORMALITIES. Last evaluated: 2026-04-15. Review status: no assertion criteria provided. Collection method: literature only. Allele origin: germline. Not counted in ClinVar's aggregate classification.

Literature cited by the submitters: PubMed 25649377 (cited by Labcorp Genetics (formerly Invitae), Labcorp); PubMed 29100083 (cited by Labcorp Genetics (formerly Invitae), Labcorp); PubMed 30206421 (cited by Labcorp Genetics (formerly Invitae), Labcorp and OMIM); PubMed 21686261 (cited by Labcorp Genetics (formerly Invitae), Labcorp); PubMed 26793055 (cited by Labcorp Genetics (formerly Invitae), Labcorp); PubMed 27665735 (cited by Labcorp Genetics (formerly Invitae), Labcorp).